The following is an entry in ClinVar:

ClinVar aggregate classification (germline): Uncertain significance (1 of 4 stars; one submission).

Conditions:
Charcot-Marie-Tooth disease axonal type 2P. Also called: CHARCOT-MARIE-TOOTH NEUROPATHY, TYPE 2P; Charcot-Marie-Tooth Neuropathy Type 2G; CHARCOT-MARIE-TOOTH DISEASE, AXONAL, TYPE 2G; CMT 2G. Identifiers: Orphanet 300319, Orphanet 99941, MedGen C3280797, MONDO:0013753, OMIM 614436.

gnomAD v4.1: 1 of 1,613,046 alleles (0.000062%); highest among the groups gnomAD compares: Non-Finnish European, 0.000085%; no homozygotes.

Submission:

Labcorp Genetics (formerly Invitae), Labcorp
Classification: Uncertain significance for Charcot-Marie-Tooth disease axonal type 2P. Last evaluated: 2018-05-30. Review status: criteria provided, single submitter. Criteria: Invitae Variant Classification Sherloc (09022015). Collection method: clinical testing. Allele origin: germline.
Comment: This variant has not been reported in the literature in individuals with LRSAM1-related disease. In summary, the available evidence is currently insufficient to determine the role of this variant in disease. Therefore, it has been classified as a Variant of Uncertain Significance. Algorithms developed to predict the effect of missense changes on protein structure and function are either unavailable or do not agree on the potential impact of this missense change (SIFT: "Tolerated"; PolyPhen-2: "Possibly Damaging"; Align-GVGD: "Class C0"). This variant is not present in population databases (ExAC no frequency). This sequence change replaces arginine with proline at codon 681 of the LRSAM1 protein (p.Arg681Pro). The arginine residue is moderately conserved and there is a moderate physicochemical difference between arginine and proline.

NM_001005373.4(LRSAM1):c.2042G>C (p.Arg681Pro)

Gene: LRSAM1 (leucine rich repeat and sterile alpha motif containing 1; plus strand). Cytogenetic location: 9q34.11.
Variant type: single nucleotide variant.
Coding change: c.2042G>C on transcript NM_001005373.4 (MANE Select); coding-DNA position 2042, G replaced by C.
Protein change: p.Arg681Pro; replaces arginine 681 with proline.
Molecular consequence: missense variant. On other transcripts: non-coding transcript variant (2).
Genome position (GRCh38, 1-based): chr9:127,501,139, G>C. VCF-style: chr9-127501139-G-C. GRCh37 (hg19) VCF-style: chr9-130263418-G-C.
Other names: c.2042G>C, p.Arg681Pro (NM_001005374.4, NM_001384142.1, NM_138361.5); c.1961G>C, p.Arg654Pro (NM_001190723.3); c.1943G>C, p.Arg648Pro (NM_001384143.1); c.1253G>C, p.Arg418Pro (NM_001384144.1); short protein forms R681P, R654P, R418P, R648P.
Identifiers: ClinVar variation 581567 (VCV000581567.8), dbSNP rs143479340, ClinGen allele CA374938367.
Genomic context (GRCh38, chr9:127,501,139, plus strand): 5'-CATCCGCTCCCCCTGCAGAGCTGGAGGTGCAGGCCTCAGAGTGTGTCGTGTGCCTGGAAC[G>C]GGAGGTAAGTCCGGGGCCCTCCCCACCCGCCTGCCCTGCCTGTGGCCACCCTCCTCAAAT-3'
Protein context (NP_001005373.1, residues 671-691): QASECVVCLE[Arg681Pro]EAQMIFLNCG